The following is an entry in ClinVar:

ClinVar aggregate classification (germline): Conflicting classifications of pathogenicity. Review status: criteria provided, conflicting classifications (1 of 4 stars). 7 submissions from 7 submitters: Uncertain significance (2); Likely benign (4). 1 of the submissions does not count toward it. Last evaluated 2026-04-28.

Conditions:
PKD1-related disorder. Also called: PKD1-related condition.
Polycystic kidney disease, adult type (PKD1). Also called: Polycystic Kidney, Autosomal Dominant; POLYCYSTIC KIDNEY DISEASE 1 WITH OR WITHOUT POLYCYSTIC LIVER DISEASE; POLYCYSTIC KIDNEY DISEASE, ADULT, TYPE I; Polycystic Kidney Disease 1, Autosomal Dominant; Polycystic kidney disease 1; Polycystic kidney disease 1, severe. Identifiers: MedGen C3149841, MONDO:0008263, OMIM 173900.
Inborn genetic diseases. Identifiers: MedGen C0950123, MeSH D030342.

Allele frequency attached by ClinVar (database versions not stated): 1000 Genomes Project 30x 0.00031; TOPMed 0.00035; 1000 Genomes Project 0.00040.
gnomAD v4.1: 215 of 1,609,092 alleles (0.013%); highest among the groups gnomAD compares: East Asian, 0.44%; 1 homozygote.

Submissions (7):

Women's Health and Genetics/Laboratory Corporation of America, LabCorp
Classification: Likely benign. Last evaluated: 2026-04-28. Review status: criteria provided, single submitter. Criteria: LabCorp Variant Classification Summary - May 2015. Collection method: clinical testing. Allele origin: germline.
Comment: Variant summary: PKD1 c.5037C>A (p.Ser1679Arg) results in a non-conservative amino acid change in the encoded protein sequence. Algorithms developed to predict the effect of missense changes on protein structure and function are either unavailable or do not agree on the potential impact of this missense change. The variant allele was found at a frequency of 0.00044 in 240898 control chromosomes, predominantly at a frequency of 0.0057 within the East Asian subpopulation in the gnomAD database. The observed variant frequency within East Asian control individuals in the gnomAD database exceeds the estimated maximal expected allele frequency for disease-causing variants in PKD1. c.5037C>A has been observed in individuals affected with Polycystic Kidney Disease (Yu_2022) without strong evidence for causality. However, this report does not provide unequivocal conclusions about association of the variant with PKD1-related conditions. To our knowledge, no experimental evidence demonstrating an impact on protein function has been reported. The following publication has been ascertained in the context of this evaluation (PMID: 35778421). ClinVar contains an entry for this variant (Variation ID: 618290). Based on the evidence outlined above, the variant was classified as likely benign.

Blueprint Genetics
Classification: Likely benign. Last evaluated: 2024-09-03. Review status: criteria provided, single submitter. Criteria: ACMG Guidelines, 2015. Collection method: clinical testing. Allele origin: germline.

Ambry Genetics
Classification: Likely benign for Inborn genetic diseases. Last evaluated: 2024-02-05. Review status: criteria provided, single submitter. Criteria: Ambry Variant Classification Scheme 2023. Collection method: clinical testing. Allele origin: germline.

GeneDx
Classification: Likely benign. Last evaluated: 2020-02-12. Review status: criteria provided, single submitter. Criteria: GeneDx Variant Classification Process June 2021. Collection method: clinical testing. Allele origin: germline. Affected: yes.
Comment: This variant is associated with the following publications: (PMID: 27567292)

Department of Pathology and Laboratory Medicine, Sinai Health System
Classification: Uncertain significance for Polycystic kidney disease, adult type. Last evaluated: 2018-11-26. Review status: criteria provided, single submitter. Criteria: ACMG Guidelines, 2015. Collection method: clinical testing. Allele origin: germline.

ARUP Laboratories, Molecular Genetics and Genomics, ARUP Laboratories
Classification: Uncertain significance. Last evaluated: 2017-05-16. Review status: criteria provided, single submitter. Criteria: ARUP Molecular Germline Variant Investigation Process. Collection method: clinical testing. Allele origin: germline.

PreventionGenetics, part of Exact Sciences
Classification: Benign for PKD1-related condition. Last evaluated: 2019-11-06. Review status: no assertion criteria provided. Collection method: clinical testing. Allele origin: germline. Not counted in ClinVar's aggregate classification.
Comment: This variant is classified as benign based on ACMG/AMP sequence variant interpretation guidelines (Richards et al. 2015 PMID: 25741868, with internal and published modifications).

Literature cited by the submitters: PubMed 35778421 (cited by Women's Health and Genetics/Laboratory Corporation of America, LabCorp).

NM_001009944.3(PKD1):c.5037C>A (p.Ser1679Arg)

Gene: PKD1 (polycystin 1, transient receptor potential channel interacting; minus strand). Cytogenetic location: 16p13.3.
Variant type: single nucleotide variant.
Coding change: c.5037C>A on transcript NM_001009944.3 (MANE Select); coding-DNA position 5037, C replaced by A.
Protein change: p.Ser1679Arg; replaces serine 1679 with arginine.
Molecular consequence: missense variant.
Genome position (GRCh38, 1-based): chr16:2,110,130, G>T on the plus strand (C>A on the coding strand, the complement: PKD1 is on the minus strand). VCF-style: chr16-2110130-G-T. GRCh37 (hg19) VCF-style: chr16-2160131-G-T.
Other names: c.5037C>A, p.Ser1679Arg (NM_000296.4); short protein forms S1679R.
Identifiers: ClinVar variation 618290 (VCV000618290.17), dbSNP rs144091742, ClinGen allele CA7832148.